The following is an entry in ClinVar:

NM_000324.3(RHAG):c.572G>A (p.Arg191Gln)

Gene: RHAG (Rh associated glycoprotein; minus strand). Cytogenetic location: 6p12.3.
Variant type: single nucleotide variant.
Coding change: c.572G>A on transcript NM_000324.3 (MANE Select); coding-DNA position 572, G replaced by A.
Protein change: p.Arg191Gln; replaces arginine 191 with glutamine.
Molecular consequence: missense variant.
Genome position (GRCh38, 1-based): chr6:49,615,692, C>T on the plus strand (G>A on the coding strand, the complement: RHAG is on the minus strand). VCF-style: chr6-49615692-C-T. GRCh37 (hg19) VCF-style: chr6-49583405-C-T.
Other names: short protein forms R191Q.
Identifiers: ClinVar variation 2577270 (VCV002577270.2), dbSNP rs550840907, ClinGen allele CA3847879.

ClinVar aggregate classification (germline): Uncertain significance. Review status: criteria provided, multiple submitters, no conflicts (2 of 4 stars). 2 submissions from 2 submitters: Uncertain significance (2). Last evaluated 2023-07-28.

Allele frequency attached by ClinVar (database versions not stated): gnomAD 0.00013; TOPMed 0.00015; ExAC 0.00035; 1000 Genomes Project 0.00060; 1000 Genomes Project 30x 0.00062.
gnomAD v4.1: 154 of 1,613,992 alleles (0.0095%); highest among the groups gnomAD compares: East Asian, 0.29%; no homozygotes.

Submissions (2):

Women's Health and Genetics/Laboratory Corporation of America, LabCorp
Classification: Uncertain significance. Last evaluated: 2023-07-28. Review status: criteria provided, single submitter. Criteria: LabCorp Variant Classification Summary - May 2015. Collection method: clinical testing. Allele origin: germline.
Comment: Variant summary: RHAG c.572G>A (p.Arg191Gln) results in a conservative amino acid change located in the Ammonium transporter AmtB-like domain (IPR024041) of the encoded protein sequence. Three of five in-silico tools predict a benign effect of the variant on protein function. The variant allele was found at a frequency of 0.0003 in 251424 control chromosomes. This frequency is not significantly higher than estimated for a pathogenic variant in RHAG causing Rh deficiency syndrome, allowing no conclusion about variant significance. c.572G>A has been reported in the literature in at three homozygous individuals affected with Rh deficiency syndrome, including two brothers who also carried a variant of unknown signifiance in cis (e.g., Wen_2019, Xia_2019). These data indicate that the variant may be associated with disease. At least one publication reports experimental evidence evaluating an impact on protein function; transfected HEK 293 cells did not infuence the expression of RhAG antigen in vitro, however, RhD antigen expression was decreased in cells co-transduced with variant RHAG and wt RHD compared to those co-transduced with wt RHAG and wt RHD (Wen_2019). The following publications have been ascertained in the context of this evaluation (PMID: 30284303, 31032541). No submitters have cited clinical-significance assessments for this variant to ClinVar after 2014. Based on the evidence outlined above, the variant was classified as VUS-possibly pathogenic.

Blueprint Genetics
Classification: Uncertain significance. Last evaluated: 2022-06-20. Review status: criteria provided, single submitter. Criteria: ACMG Guidelines, 2015. Collection method: clinical testing. Allele origin: germline.

Literature cited by the submitters: PubMed 30284303 (cited by Women's Health and Genetics/Laboratory Corporation of America, LabCorp); PubMed 31032541 (cited by Women's Health and Genetics/Laboratory Corporation of America, LabCorp).